The following is an entry in ClinVar:

ClinVar aggregate classification (germline): Likely pathogenic (1 of 4 stars; one submission).

Conditions:
Glycogen storage disease, type VI (GSD6). Also called: Hepatic glycogen phosphorylase deficiency; Glycogen storage disease type 6; HERS DISEASE; PHOSPHORYLASE DEFICIENCY GLYCOGEN-STORAGE DISEASE OF LIVER; Glycogen storage disease type 6, due to phosphorylation; GSD VI. Identifiers: Orphanet 369, MedGen C0017925, MONDO:0009294, OMIM 232700.

Submission:

Neuberg Centre For Genomic Medicine, NCGM
Classification: Likely pathogenic for Glycogen storage disease, type VI. Review status: criteria provided, single submitter. Criteria: ACMG Guidelines, 2015. Collection method: clinical testing. Allele origin: germline. Inheritance: Autosomal recessive inheritance. Affected: yes.
Comment: The frameshift deletion p.V239Qfs*13 in PYGL (NM_002863.5) has not been reported previously as a pathogenic variant nor as a benign variant, to our knowledge. The p.V239Qfs*13 variant is observed in 2/30,616 (0.0065%) alleles from individuals of South Asian background in gnomAD Exomes and is novel (not in any individuals) in 1000 Genomes. This variant is predicted to cause loss of normal protein function through protein truncation. For these reasons, this variant has been classified as Likely Pathogenic.

NM_002863.5(PYGL):c.715_716del (p.Val239fs)

Gene: PYGL (glycogen phosphorylase L; minus strand). Cytogenetic location: 14q22.1.
Variant type: Deletion.
Coding change: c.715_716del on transcript NM_002863.5 (MANE Select); coding-DNA positions 715 to 716, 2 bases deleted (GT; older notation c.715_716delGT).
Protein change: p.Val239fs; shifts the reading frame from valine 239.
Molecular consequence: frameshift variant.
Genome position (GRCh38, 1-based): chr14:50,921,012-50,921,013, AC deleted on the plus strand (GT on the coding strand, the reverse complement: PYGL is on the minus strand); deleting any 2 consecutive bases within chr14:50,921,012-50,921,014 gives the same sequence; the c. name uses the placement nearest the transcript's 3' end. VCF-style (leftmost placement, unchanged base first): chr14-50921011-GAC-G. GRCh37 (hg19) VCF-style: chr14-51387729-GAC-G.
Other names: c.613_614del, p.Val205fs (NM_001163940.2); short protein forms V205fs, V239fs.
Identifiers: ClinVar variation 2627506 (VCV002627506.1), dbSNP rs750699019, ClinGen allele CA7183701.